The following is an entry in ClinVar:

ClinVar aggregate classification (germline): Uncertain significance. Review status: criteria provided, multiple submitters, no conflicts (2 of 4 stars). 4 submissions from 4 submitters: Uncertain significance (4). Last evaluated 2025-03-05.

Conditions:
Endometrial carcinoma. Also called: Endometrial carcinoma, somatic. Identifiers: MedGen C0476089, MONDO:0002447, OMIM 608089, HP:0012114.
Colorectal cancer. Also called: Malignant Colorectal Neoplasm; Colorectal cancer, somatic. Identifiers: MedGen C0346629, MONDO:0005575, OMIM 114500.
Colorectal cancer, hereditary nonpolyposis, type 7. Identifiers: Orphanet 144, MedGen C1858380, MONDO:0013725, OMIM 614385.

Allele frequency attached by ClinVar (database versions not stated): gnomAD exomes 0.00001 and 0.00002; ExAC 0.00003; ESP Exome Variant Server 0.00008; TOPMed 0.00008; gnomAD 0.00012 and 0.00014.
gnomAD v4.1: 28 of 1,614,038 alleles (0.0017%); highest among the groups gnomAD compares: African/African-American, 0.033%; no homozygotes.

Submissions (4):

Ambry Genetics
Classification: Uncertain significance. Last evaluated: 2025-03-05. Review status: criteria provided, single submitter. Criteria: Ambry Variant Classification Scheme 2023. Collection method: clinical testing. Allele origin: germline.
Comment: The p.I305T variant (also known as c.914T>C), located in coding exon 1 of the MLH3 gene, results from a T to C substitution at nucleotide position 914. The isoleucine at codon 305 is replaced by threonine, an amino acid with similar properties. This amino acid position is not well conserved in available vertebrate species. In addition, this alteration is predicted to be deleterious by in silico analysis. Since supporting evidence is limited at this time, the clinical significance of this alteration remains unclear.

Labcorp Genetics (formerly Invitae), Labcorp
Classification: Uncertain significance for Colorectal cancer, hereditary nonpolyposis, type 7. Last evaluated: 2023-12-14. Review status: criteria provided, single submitter. Criteria: Invitae Variant Classification Sherloc (09022015). Collection method: clinical testing. Allele origin: germline.
Comment: This sequence change replaces isoleucine, which is neutral and non-polar, with threonine, which is neutral and polar, at codon 305 of the MLH3 protein (p.Ile305Thr). This variant is present in population databases (rs150796590, gnomAD 0.03%). This variant has not been reported in the literature in individuals affected with MLH3-related conditions. ClinVar contains an entry for this variant (Variation ID: 860050). An algorithm developed to predict the effect of missense changes on protein structure and function (PolyPhen-2) suggests that this variant is likely to be disruptive. In summary, the available evidence is currently insufficient to determine the role of this variant in disease. Therefore, it has been classified as a Variant of Uncertain Significance.

Department of Pathology and Laboratory Medicine, Sinai Health System
Classification: Uncertain significance for Colorectal cancer; Endometrial carcinoma; Colorectal cancer, hereditary nonpolyposis, type 7. Last evaluated: 2023-03-28. Review status: criteria provided, single submitter. Criteria: ACMG Guidelines, 2015. Collection method: clinical testing. Allele origin: germline. Affected: yes.

Breakthrough Genomics
Classification: Uncertain significance. Review status: criteria provided, single submitter. Criteria: ACMG Guidelines, 2015. Collection method: not provided. Allele origin: germline. Inheritance: Autosomal dominant inheritance. Affected: yes.

NM_001040108.2(MLH3):c.914T>C (p.Ile305Thr)

Gene: MLH3 (mutL homolog 3; minus strand). Cytogenetic location: 14q24.3.
Variant type: single nucleotide variant.
Coding change: c.914T>C on transcript NM_001040108.2 (MANE Select); coding-DNA position 914, T replaced by C.
Protein change: p.Ile305Thr; replaces isoleucine 305 with threonine.
Molecular consequence: missense variant.
Genome position (GRCh38, 1-based): chr14:75,048,742, A>G on the plus strand (T>C on the coding strand, the complement: MLH3 is on the minus strand). VCF-style: chr14-75048742-A-G. GRCh37 (hg19) VCF-style: chr14-75515445-A-G.
Other names: c.914T>C, p.Ile305Thr (NM_014381.3); short protein forms I305T.
Identifiers: ClinVar variation 860050 (VCV000860050.15), dbSNP rs150796590, ClinGen allele CA7275945.